The following is an entry in ClinVar:

NM_182925.5(FLT4):c.2406G>A (p.Arg802=)

Genes: FLT4 (fms related receptor tyrosine kinase 4; minus strand), LOC126807632 (CDK7 strongly-dependent group 2 enhancer GRCh37_chr5:180046831-180048030; plus strand). Cytogenetic location: 5q35.3.
Variant type: single nucleotide variant.
Coding change: c.2406G>A on transcript NM_182925.5 (MANE Select); coding-DNA position 2406, G replaced by A.
Protein change: p.Arg802=; no amino-acid change (arginine 802 retained).
Molecular consequence: synonymous variant.
Genome position (GRCh38, 1-based): chr5:180,620,609, C>T on the plus strand (G>A on the coding strand, the complement: FLT4 is on the minus strand). VCF-style: chr5-180620609-C-T. GRCh37 (hg19) VCF-style: chr5-180047609-C-T.
Other names: c.2406G>A, p.Arg802= (NM_001354989.2, NM_002020.5).
Identifiers: ClinVar variation 4279932 (VCV004279932.1).

ClinVar aggregate classification (germline): Uncertain significance (1 of 4 stars; one submission).

Conditions:
Hereditary lymphedema type I (LMPHM1). Also called: Milroy Disease; Nonne-Milroy disease; Congenital hereditary lymphedema; Early onset lymphedema; Hereditary lymphedema 1; Primary congenital lymphedema. Identifiers: Orphanet 79452, MedGen C1704423, MONDO:0007919, OMIM 153100.

Submission:

Clinical Genomics Laboratory, Washington University in St. Louis
Classification: Uncertain significance for Hereditary lymphedema type I. Last evaluated: 2025-01-27. Review status: criteria provided, single submitter. Criteria: ACMG Guidelines, 2015. Collection method: clinical testing. Allele origin: germline.
Comment: A FLT4 c.2406G>A (p.Arg802=) variant was identified at a heterozygous allelic fraction of 49.7%, a frequency which may be consistent with it being of germline origin. This variant, to our knowledge, has not been reported in the medical literature or in the ClinVar database. This variant is observed on 1/1,606,052 alleles in the general population (gnomAD v4.1.0). Computational predictors indicate that the variant has no impact on splicing, evidence that this variant does not have a damaging effect on FLT4 function. Due to limited information, and based on ACMG/AMP guidelines for variant interpretation (Richards S et al., PMID: 25741868), the clinical significance of the FLT4 c.2406G>A (p.Arg802=) variant is uncertain at this time.